The following is an entry in ClinVar:

ClinVar aggregate classification (germline): Uncertain significance. Review status: criteria provided, multiple submitters, no conflicts (2 of 4 stars). 2 submissions from 2 submitters: Uncertain significance (2). Last evaluated 2025-02-08.

Conditions:
Inborn genetic diseases. Identifiers: MedGen C0950123, MeSH D030342.
Nemaline myopathy 8 (NEM8). Also called: Nemaline myopathy 8, autosomal recessive. Identifiers: Orphanet 171430, MedGen C3809209, MONDO:0014138, OMIM 615348.

Allele frequency attached by ClinVar (database versions not stated): ExAC 0.00001; gnomAD exomes 0.00001 and 0.00002.

Submissions (2):

Ambry Genetics
Classification: Uncertain significance for Inborn genetic diseases. Last evaluated: 2025-02-08. Review status: criteria provided, single submitter. Criteria: Ambry Variant Classification Scheme 2023. Collection method: clinical testing. Allele origin: germline.

Labcorp Genetics (formerly Invitae), Labcorp
Classification: Uncertain significance for Nemaline myopathy 8. Last evaluated: 2023-06-29. Review status: criteria provided, single submitter. Criteria: Invitae Variant Classification Sherloc (09022015). Collection method: clinical testing. Allele origin: germline.
Comment: In summary, the available evidence is currently insufficient to determine the role of this variant in disease. Therefore, it has been classified as a Variant of Uncertain Significance. Advanced modeling of protein sequence and biophysical properties (such as structural, functional, and spatial information, amino acid conservation, physicochemical variation, residue mobility, and thermodynamic stability) has been performed at Invitae for this missense variant, however the output from this modeling did not meet the statistical confidence thresholds required to predict the impact of this variant on KLHL40 protein function. ClinVar contains an entry for this variant (Variation ID: 842135). This variant has not been reported in the literature in individuals affected with KLHL40-related conditions. This variant is present in population databases (rs753666861, gnomAD 0.004%). This sequence change replaces histidine, which is basic and polar, with aspartic acid, which is acidic and polar, at codon 159 of the KLHL40 protein (p.His159Asp).

NM_152393.4(KLHL40):c.475C>G (p.His159Asp)

Gene: KLHL40 (kelch like family member 40; plus strand). Cytogenetic location: 3p22.1.
Variant type: single nucleotide variant.
Coding change: c.475C>G on transcript NM_152393.4 (MANE Select); coding-DNA position 475, C replaced by G.
Protein change: p.His159Asp; replaces histidine 159 with aspartic acid.
Molecular consequence: missense variant.
Genome position (GRCh38, 1-based): chr3:42,686,093, C>G. VCF-style: chr3-42686093-C-G. GRCh37 (hg19) VCF-style: chr3-42727585-C-G.
Other names: c.475C>G (NM_152393.2); short protein forms H159D.
Identifiers: ClinVar variation 842135 (VCV000842135.5), dbSNP rs753666861, ClinGen allele CA2336663.
Genomic context (GRCh38, chr3:42,686,093, plus strand): 5'-CTCGGCCTCCTGCTCGACTGCGCGCGTCTCGCCGTGGCTGCCCGCGACTTCATCTGCGCT[C>G]ACTTCACGCTGGTGGCGCGCGACGCTGACTTCCTCGGACTCTCGGCCGACGAGCTCATCG-3'
Protein context (NP_689606.2, residues 149-169): AVAARDFICA[His159Asp]FTLVARDADF